The following is an entry in ClinVar:

ClinVar aggregate classification (germline): Pathogenic/Likely pathogenic. Review status: criteria provided, multiple submitters, no conflicts (2 of 4 stars). 3 submissions from 3 submitters: Pathogenic (1); Likely pathogenic (2). Last evaluated 2023-06-06.

Conditions:
ABCC6-related disorder. Also called: ABCC6-related condition.

Allele frequency attached by ClinVar (database versions not stated): gnomAD 0.00001; gnomAD exomes 0.00001; TOPMed 0.00001.
gnomAD v4.1: 7 of 1,613,960 alleles (0.00043%); highest among the groups gnomAD compares: South Asian, 0.0011%; no homozygotes.

Submissions (3):

Labcorp Genetics (formerly Invitae), Labcorp
Classification: Likely pathogenic. Last evaluated: 2023-06-06. Review status: criteria provided, single submitter. Criteria: Invitae Variant Classification Sherloc (09022015). Collection method: clinical testing. Allele origin: germline.
Comment: Disruption of this splice site has been observed in individual(s) with pseudoxanthoma elasticum (PMID: 33812167, 34906475). ClinVar contains an entry for this variant (Variation ID: 2434772). Algorithms developed to predict the effect of sequence changes on RNA splicing suggest that this variant may disrupt the consensus splice site. In summary, the currently available evidence indicates that the variant is pathogenic, but additional data are needed to prove that conclusively. Therefore, this variant has been classified as Likely Pathogenic. This variant is present in population databases (no rsID available, gnomAD 0.0009%). This sequence change affects a donor splice site in intron 24 of the ABCC6 gene. It is expected to disrupt RNA splicing. Variants that disrupt the donor or acceptor splice site typically lead to a loss of protein function (PMID: 16199547), and loss-of-function variants in ABCC6 are known to be pathogenic (PMID: 11536079, 17617515).

Revvity Omics, Revvity
Classification: Pathogenic. Last evaluated: 2022-09-28. Review status: criteria provided, single submitter. Criteria: ACMG Guidelines, 2015. Collection method: clinical testing. Allele origin: germline.

Blueprint Genetics
Classification: Likely pathogenic for ABCC6-related disorders. Last evaluated: 2020-03-16. Review status: criteria provided, single submitter. Criteria: ACMG Guidelines, 2015. Collection method: clinical testing. Allele origin: germline. Affected: yes. Observed: 2 variant alleles.

Literature cited by the submitters: PubMed 33812167 (cited by Labcorp Genetics (formerly Invitae), Labcorp); PubMed 34906475 (cited by Labcorp Genetics (formerly Invitae), Labcorp); PubMed 16199547 (cited by Labcorp Genetics (formerly Invitae), Labcorp); PubMed 11536079 (cited by Labcorp Genetics (formerly Invitae), Labcorp); PubMed 17617515 (cited by Labcorp Genetics (formerly Invitae), Labcorp).

NM_001171.6(ABCC6):c.3506+1G>A

Gene: ABCC6 (ATP binding cassette subfamily C member 6; minus strand). Cytogenetic location: 16p13.11.
Variant type: single nucleotide variant.
Coding change: c.3506+1G>A on transcript NM_001171.6 (MANE Select); the canonical splice donor site of the intron after coding-DNA position 3506, G replaced by A.
Molecular consequence: splice donor variant.
Genome position (GRCh38, 1-based): chr16:16,162,992, C>T on the plus strand (G>A on the coding strand, the complement: ABCC6 is on the minus strand). VCF-style: chr16-16162992-C-T. GRCh37 (hg19) VCF-style: chr16-16256849-C-T.
Other names: c.3164+1G>A (NM_001351800.1).
Identifiers: ClinVar variation 2434772 (VCV002434772.7), dbSNP rs1359856569, ClinGen allele CA394880268.